The following is an entry in ClinVar:

ClinVar aggregate classification (germline): Uncertain significance (1 of 4 stars; one submission).

Allele frequency attached by ClinVar (database versions not stated): ExAC 0.00002.
gnomAD v4.1: 2 of 1,614,040 alleles (0.00012%); highest among the groups gnomAD compares: Admixed American, 0.0017%; no homozygotes.

Submission:

Labcorp Genetics (formerly Invitae), Labcorp
Classification: Uncertain significance. Last evaluated: 2024-04-24. Review status: criteria provided, single submitter. Criteria: Invitae Variant Classification Sherloc (09022015). Collection method: clinical testing. Allele origin: germline.
Comment: This sequence change replaces arginine, which is basic and polar, with cysteine, which is neutral and slightly polar, at codon 416 of the GABRB1 protein (p.Arg416Cys). This variant is present in population databases (rs751931636, gnomAD 0.002%). This variant has not been reported in the literature in individuals affected with GABRB1-related conditions. ClinVar contains an entry for this variant (Variation ID: 1962468). Advanced modeling of protein sequence and biophysical properties (such as structural, functional, and spatial information, amino acid conservation, physicochemical variation, residue mobility, and thermodynamic stability) performed at Invitae indicates that this missense variant is not expected to disrupt GABRB1 protein function with a negative predictive value of 80%. In summary, the available evidence is currently insufficient to determine the role of this variant in disease. Therefore, it has been classified as a Variant of Uncertain Significance.

NM_000812.4(GABRB1):c.1246C>T (p.Arg416Cys)

Gene: GABRB1 (gamma-aminobutyric acid type A receptor subunit beta1; plus strand). Cytogenetic location: 4p12.
Variant type: single nucleotide variant.
Coding change: c.1246C>T on transcript NM_000812.4 (MANE Select); coding-DNA position 1246, C replaced by T.
Protein change: p.Arg416Cys; replaces arginine 416 with cysteine.
Molecular consequence: missense variant.
Genome position (GRCh38, 1-based): chr4:47,425,839, C>T. VCF-style: chr4-47425839-C-T. GRCh37 (hg19) VCF-style: chr4-47427856-C-T.
Other names: short protein forms R416C.
Identifiers: ClinVar variation 1962468 (VCV001962468.5), dbSNP rs751931636, ClinGen allele CA2907788.